The following is an entry in ClinVar:

NM_024490.4(ATP10A):c.912G>A (p.Arg304=)

Gene: ATP10A (ATPase phospholipid transporting 10A (putative); minus strand). Cytogenetic location: 15q12.
Variant type: single nucleotide variant.
Coding change: c.912G>A on transcript NM_024490.4 (MANE Select); coding-DNA position 912, G replaced by A.
Protein change: p.Arg304=; no amino-acid change (arginine 304 retained).
Molecular consequence: synonymous variant.
Genome position (GRCh38, 1-based): chr15:25,726,018, C>T on the plus strand (G>A on the coding strand, the complement: ATP10A is on the minus strand). VCF-style: chr15-25726018-C-T. GRCh37 (hg19) VCF-style: chr15-25971165-C-T.
Identifiers: ClinVar variation 3052225 (VCV003052225.2), dbSNP rs139274871, ClinGen allele CA7436977.

ClinVar aggregate classification (germline): Likely benign (0 of 4 stars; one submission).

Conditions:
ATP10A-related disorder. Also called: ATP10A-related condition.

Allele frequency attached by ClinVar (database versions not stated): gnomAD exomes 0.00004; ExAC 0.00013; 1000 Genomes Project 0.00040; gnomAD 0.00040; 1000 Genomes Project 30x 0.00047; TOPMed 0.00050; ESP Exome Variant Server 0.00054.
gnomAD v4.1: 123 of 1,614,170 alleles (0.0076%); highest among the groups gnomAD compares: African/African-American, 0.14%; 1 homozygote.

Submission:

PreventionGenetics, part of Exact Sciences
Classification: Likely benign for ATP10A-related condition. Last evaluated: 2019-03-25. Review status: no assertion criteria provided. Collection method: clinical testing. Allele origin: germline.
Comment: This variant is classified as likely benign based on ACMG/AMP sequence variant interpretation guidelines (Richards et al. 2015 PMID: 25741868, with internal and published modifications).